The following is an entry in ClinVar:

NM_001130438.3(SPTAN1):c.1678G>C (p.Glu560Gln)

Gene: SPTAN1 (spectrin alpha, non-erythrocytic 1; plus strand). Cytogenetic location: 9q34.11.
Variant type: single nucleotide variant.
Coding change: c.1678G>C on transcript NM_001130438.3 (MANE Select); coding-DNA position 1678, G replaced by C.
Protein change: p.Glu560Gln; replaces glutamic acid 560 with glutamine.
Molecular consequence: missense variant.
Genome position (GRCh38, 1-based): chr9:128,582,721, G>C. VCF-style: chr9-128582721-G-C. GRCh37 (hg19) VCF-style: chr9-131345000-G-C.
Other names: c.1678G>C, p.Glu560Gln (NM_001195532.2, NM_001363759.2, NM_001363765.2 and 5 more transcripts); c.1714G>C, p.Glu572Gln (NM_001375312.2, NM_001375318.1); short protein forms E560Q, E572Q.
Identifiers: ClinVar variation 3390408 (VCV003390408.2).

ClinVar aggregate classification (germline): Uncertain significance (1 of 4 stars; one submission).

Submission:

GeneDx
Classification: Uncertain significance. Last evaluated: 2025-04-17. Review status: criteria provided, single submitter. Criteria: GeneDx Variant Classification Process June 2021. Collection method: clinical testing. Allele origin: germline.
Comment: Not observed at significant frequency in large population cohorts (gnomAD); In silico analysis indicates that this missense variant does not alter protein structure/function; Has not been previously published as pathogenic or benign to our knowledge